The following is an entry in ClinVar:

NM_000038.6(APC):c.2163A>G (p.Gly721=)

Gene: APC (APC regulator of Wnt signaling pathway; plus strand). Cytogenetic location: 5q22.2.
Variant type: single nucleotide variant.
Coding change: c.2163A>G on transcript NM_000038.6 (MANE Select); coding-DNA position 2163, A replaced by G.
Protein change: p.Gly721=; no amino-acid change (glycine 721 retained).
Molecular consequence: synonymous variant. On other transcripts: non-coding transcript variant (2).
Genome position (GRCh38, 1-based): chr5:112,837,757, A>G. VCF-style: chr5-112837757-A-G. GRCh37 (hg19) VCF-style: chr5-112173454-A-G.
Other names: c.2163A>G, p.Gly721= (NM_001127510.3, NM_001354895.2, NM_001407450.1); c.2109A>G, p.Gly703= (NM_001127511.3); c.2217A>G, p.Gly739= (NM_001354896.2, NM_001407447.1, NM_001407448.1 and 1 more transcripts); c.2193A>G, p.Gly731= (NM_001354897.2); c.2088A>G, p.Gly696= (NM_001354898.2); c.2079A>G, p.Gly693= (NM_001354899.2); c.2040A>G, p.Gly680= (NM_001354900.2); c.1986A>G, p.Gly662= (NM_001354901.2, NM_001407453.1); and 11 more.
Identifiers: ClinVar variation 3148288 (VCV003148288.1), dbSNP rs2149862090, ClinGen allele CA445963474.
Genomic context (GRCh38, chr5:112,837,757, plus strand): 5'-GGGGGCAGTTAGCATGCTCAAGAACCTCATTCATTCAAAGCACAAAATGATTGCTATGGG[A>G]AGTGCTGCAGCTTTAAGGAATCTCATGGCAAATAGGCCTGCGAAGTACAAGGATGCCAAT-3'
Protein context (NP_000029.2, residues 711-731): IHSKHKMIAM[Gly721=]SAAALRNLMA

ClinVar aggregate classification (germline): Benign (1 of 4 stars; one submission).

Conditions:
Familial adenomatous polyposis 1 (FAP1). Also called: POLYPOSIS, ADENOMATOUS INTESTINAL; FAMILIAL ADENOMATOUS POLYPOSIS 1, ATTENUATED. Identifiers: MedGen C2713442, MONDO:0021056, OMIM 175100. Disease mechanism: loss of function.

Submission:

Myriad Genetics, Inc.
Classification: Benign for Familial adenomatous polyposis 1. Last evaluated: 2024-03-08. Review status: criteria provided, single submitter. Criteria: Myriad Autosomal Dominant, Autosomal Recessive and X-Linked Classification Criteria (2023). Collection method: clinical testing. Allele origin: unknown.
Comment: This variant is considered benign. This variant is a silent/synonymous amino acid change and it is not expected to impact splicing.